The following is an entry in ClinVar:

ClinVar aggregate classification (germline): Uncertain significance (1 of 4 stars; one submission).

gnomAD v4.1: 1 of 1,614,002 alleles (0.000062%); highest among the groups gnomAD compares: African/African-American, 0.0013%; no homozygotes.

Submission:

GeneDx
Classification: Uncertain significance. Last evaluated: 2024-12-04. Review status: criteria provided, single submitter. Criteria: GeneDx Variant Classification Process June 2021. Collection method: clinical testing. Allele origin: germline. Affected: yes.
Comment: Not observed at significant frequency in large population cohorts (gnomAD); In silico analysis indicates that this missense variant does not alter protein structure/function; Has not been previously published as pathogenic or benign to our knowledge

NM_002633.3(PGM1):c.982G>A (p.Val328Ile)

Gene: PGM1 (phosphoglucomutase 1; plus strand). Cytogenetic location: 1p31.3.
Variant type: single nucleotide variant.
Coding change: c.982G>A on transcript NM_002633.3 (MANE Select); coding-DNA position 982, G replaced by A.
Protein change: p.Val328Ile; replaces valine 328 with isoleucine.
Molecular consequence: missense variant.
Genome position (GRCh38, 1-based): chr1:63,636,342, G>A. VCF-style: chr1-63636342-G-A. GRCh37 (hg19) VCF-style: chr1-64102013-G-A.
Other names: c.1036G>A, p.Val346Ile (NM_001172818.1); c.391G>A, p.Val131Ile (NM_001172819.2); short protein forms V131I, V328I, V346I.
Identifiers: ClinVar variation 3901339 (VCV003901339.1).